The following is an entry in ClinVar:

NM_006440.5(TXNRD2):c.364C>G (p.Pro122Ala)

Gene: TXNRD2 (thioredoxin reductase 2; minus strand). Cytogenetic location: 22q11.21.
Variant type: single nucleotide variant.
Coding change: c.364C>G on transcript NM_006440.5 (MANE Select); coding-DNA position 364, C replaced by G.
Protein change: p.Pro122Ala; replaces proline 122 with alanine.
Molecular consequence: missense variant. On other transcripts: non-coding transcript variant (1).
Genome position (GRCh38, 1-based): chr22:19,918,870, G>C on the plus strand (C>G on the coding strand, the complement: TXNRD2 is on the minus strand). VCF-style: chr22-19918870-G-C. GRCh37 (hg19) VCF-style: chr22-19906393-G-C.
Other names: c.364C>G, p.Pro122Ala (NM_001282512.3); c.361C>G, p.Pro121Ala (NM_001352300.2); c.274C>G, p.Pro92Ala (NM_001352301.2); c.76C>G, p.Pro26Ala (NM_001352302.2); c.268C>G, p.Pro90Ala (NM_001352303.2); short protein forms P122A, P26A, P90A, P92A, P121A.
Identifiers: ClinVar variation 2449545 (VCV002449545.2), dbSNP rs1432720365, ClinGen allele CA410693650.

ClinVar aggregate classification (germline): Uncertain significance (1 of 4 stars; one submission).

Conditions:
Cardiovascular phenotype. Identifiers: MedGen CN230736.

Submission:

Ambry Genetics
Classification: Uncertain significance for Cardiovascular phenotype. Last evaluated: 2023-03-03. Review status: criteria provided, single submitter. Criteria: Ambry Variant Classification Scheme 2023. Collection method: clinical testing. Allele origin: germline.
Comment: The p.P122A variant (also known as c.364C>G), located in coding exon 4 of the TXNRD2 gene, results from a C to G substitution at nucleotide position 364. The proline at codon 122 is replaced by alanine, an amino acid with highly similar properties. This amino acid position is conserved. In addition, this alteration is predicted to be tolerated by in silico analysis. Since supporting evidence is limited at this time, the clinical significance of this alteration remains unclear.